The following is an entry in ClinVar:

NM_000075.4(CDK4):c.5C>T (p.Ala2Val)

Gene: CDK4 (cyclin dependent kinase 4; minus strand). Cytogenetic location: 12q14.1.
Variant type: single nucleotide variant.
Coding change: c.5C>T on transcript NM_000075.4 (MANE Select); coding-DNA position 5, C replaced by T.
Protein change: p.Ala2Val; replaces alanine 2 with valine.
Molecular consequence: missense variant.
Genome position (GRCh38, 1-based): chr12:57,751,713, G>A on the plus strand (C>T on the coding strand, the complement: CDK4 is on the minus strand). VCF-style: chr12-57751713-G-A. GRCh37 (hg19) VCF-style: chr12-58145496-G-A.
Other names: short protein forms A2V.
Identifiers: ClinVar variation 2566772 (VCV002566772.2), dbSNP rs2540904377, ClinGen allele CA385549363.

ClinVar aggregate classification (germline): Uncertain significance (1 of 4 stars; one submission).

Conditions:
Hereditary cancer-predisposing syndrome. Also called: Hereditary neoplastic syndrome; Hereditary Cancer Syndrome; Neoplastic Syndromes, Hereditary; Tumor predisposition. Identifiers: Orphanet 140162, MedGen C0027672, MeSH D009386, MONDO:0015356.

Submission:

Ambry Genetics
Classification: Uncertain significance for Hereditary cancer-predisposing syndrome. Last evaluated: 2023-04-11. Review status: criteria provided, single submitter. Criteria: Ambry Variant Classification Scheme 2023. Collection method: clinical testing. Allele origin: germline.
Comment: The p.A2V variant (also known as c.5C>T), located in coding exon 1 of the CDK4 gene, results from a C to T substitution at nucleotide position 5. The alanine at codon 2 is replaced by valine, an amino acid with similar properties. This amino acid position is conserved. In addition, this alteration is predicted to be tolerated by in silico analysis. Since supporting evidence is limited at this time, the clinical significance of this alteration remains unclear.